The following is an entry in ClinVar:

NM_003690.5(PRKRA):c.270A>C (p.Arg90Ser)

Gene: PRKRA (protein activator of interferon induced protein kinase EIF2AK2; minus strand). Cytogenetic location: 2q31.2.
Variant type: single nucleotide variant.
Coding change: c.270A>C on transcript NM_003690.5 (MANE Select); coding-DNA position 270, A replaced by C.
Protein change: p.Arg90Ser; replaces arginine 90 with serine.
Molecular consequence: missense variant. On other transcripts: 5 prime UTR variant (1).
Genome position (GRCh38, 1-based): chr2:178,447,552, T>G on the plus strand (A>C on the coding strand, the complement: PRKRA is on the minus strand). VCF-style: chr2-178447552-T-G. GRCh37 (hg19) VCF-style: chr2-179312279-T-G.
Other names: c.237A>C, p.Arg79Ser (NM_001139517.2); c.195A>C, p.Arg65Ser (NM_001139518.2); c.-180A>C (NM_001316362.2); short protein forms R90S, R65S, R79S.
Identifiers: ClinVar variation 1992871 (VCV001992871.4), dbSNP rs1399381527, ClinGen allele CA349405564.

ClinVar aggregate classification (germline): Uncertain significance (1 of 4 stars; one submission).

Conditions:
Dystonia 16 (DYT16). Also called: DYT-PRKRA. Identifiers: Orphanet 210571, MedGen C2677567, MONDO:0012789, OMIM 612067.

gnomAD v4.1: 3 of 1,614,174 alleles (0.00019%); highest among the groups gnomAD compares: Non-Finnish European, 0.00017%; no homozygotes.

Submission:

Labcorp Genetics (formerly Invitae), Labcorp
Classification: Uncertain significance for Dystonia 16. Last evaluated: 2022-08-12. Review status: criteria provided, single submitter. Criteria: Invitae Variant Classification Sherloc (09022015). Collection method: clinical testing. Allele origin: germline.
Comment: This sequence change replaces arginine, which is basic and polar, with serine, which is neutral and polar, at codon 90 of the PRKRA protein (p.Arg90Ser). This variant is not present in population databases (gnomAD no frequency). This variant has not been reported in the literature in individuals affected with PRKRA-related conditions. Algorithms developed to predict the effect of missense changes on protein structure and function (SIFT, PolyPhen-2, Align-GVGD) all suggest that this variant is likely to be tolerated. In summary, the available evidence is currently insufficient to determine the role of this variant in disease. Therefore, it has been classified as a Variant of Uncertain Significance.